The following is an entry in ClinVar:

ClinVar aggregate classification (germline): Uncertain significance (1 of 4 stars; one submission).

Conditions:
Fanconi anemia (FA). Also called: Fanconi's anemia. Identifiers: Orphanet 84, MedGen C0015625, MeSH D005199, MONDO:0019391.

Allele frequency attached by ClinVar (database versions not stated): gnomAD 0.00001; TOPMed 0.00001; gnomAD exomes below 0.00001.
gnomAD v4.1: 2 of 1,614,014 alleles (0.00012%); highest among the groups gnomAD compares: African/African-American, 0.0027%; no homozygotes.

Submission:

Sema4
Classification: Uncertain significance for Fanconi anemia. Last evaluated: 2021-08-09. Review status: criteria provided, single submitter. Criteria: Sema4 Curation Guidelines. Collection method: curation. Allele origin: germline.
Comment: The FANCD2 c.4196T>C (p.I1399T) variant has not been reported in the literature to our knowledge. It was observed in 1/8714 chromosomes of the African subpopulation in the large and broad cohorts of the Genome Aggregation Database (PMID: 32461654), but has not been reported in ClinVar. Functional studies have not been performed, and in silico predictions of the variant's effect on protein function are inconclusive. The evidence is insufficient to meet ACMG/AMP criteria for classifying the variant as benign or pathogenic. Thus, the clinical significance of this variant is currently uncertain.

NM_001018115.3(FANCD2):c.4196T>C (p.Ile1399Thr)

Genes: FANCD2 (FA complementation group D2; plus strand), FANCD2OS (FANCD2 opposite strand; minus strand). Cytogenetic location: 3p25.3.
Variant type: single nucleotide variant.
Coding change: c.4196T>C on transcript NM_001018115.3 (MANE Select); coding-DNA position 4196, T replaced by C.
Protein change: p.Ile1399Thr; replaces isoleucine 1399 with threonine.
Molecular consequence: missense variant. On other transcripts: intron variant (1).
Genome position (GRCh38, 1-based): chr3:10,098,730, T>C. VCF-style: chr3-10098730-T-C. GRCh37 (hg19) VCF-style: chr3-10140414-T-C.
Other names: c.4196T>C, p.Ile1399Thr (NM_001319984.2, NM_033084.6); c.4085T>C, p.Ile1362Thr (NM_001374253.1); c.4157T>C, p.Ile1386Thr (NM_001374254.1); c.*43+5468A>G (NM_173472.2); short protein forms I1362T, I1386T, I1399T.
Identifiers: ClinVar variation 1692055 (VCV001692055.1), dbSNP rs1369071910, ClinGen allele CA351758630.